The following is an entry in ClinVar:

ClinVar aggregate classification (germline): Pathogenic/Likely pathogenic. Review status: criteria provided, multiple submitters, no conflicts (2 of 4 stars). 2 submissions from 2 submitters: Pathogenic (1); Likely pathogenic (1). Last evaluated 2024-12-03.

Conditions:
SPTB-related disorder. Also called: SPTB-related condition; SPTB-Related Disorders.

Submissions (2):

Revvity Omics, Revvity
Classification: Likely pathogenic. Last evaluated: 2024-12-03. Review status: criteria provided, single submitter. Criteria: ACMG Guidelines, 2015. Collection method: clinical testing. Allele origin: germline.

PreventionGenetics, part of Exact Sciences
Classification: Pathogenic for SPTB-related condition. Last evaluated: 2022-09-26. Review status: criteria provided, single submitter. Criteria: ACMG Guidelines, 2015. Collection method: clinical testing. Allele origin: germline.
Comment: The SPTB c.5853_5854delGA variant is predicted to result in a frameshift and premature protein termination (p.Glu1951Aspfs*2). To our knowledge, this variant has not been reported in the literature or in a large population database, indicating this variant is rare. Frameshift variants in SPTB are expected to be pathogenic. This variant is interpreted as pathogenic.

NM_001355436.2(SPTB):c.5853_5854del (p.Glu1951fs)

Gene: SPTB (spectrin beta, erythrocytic; minus strand). Cytogenetic location: 14q23.3.
Variant type: Microsatellite.
Coding change: c.5853_5854del on transcript NM_001355436.2 (MANE Select); coding-DNA positions 5853 to 5854, 2 bases deleted (GA; older notation c.5853_5854delGA).
Protein change: p.Glu1951fs; shifts the reading frame from glutamic acid 1951.
Molecular consequence: frameshift variant.
Genome position (GRCh38, 1-based): chr14:64,769,673-64,769,674, TC deleted on the plus strand (GA on the coding strand, the reverse complement: SPTB is on the minus strand); deleting any 2 consecutive bases within chr14:64,769,673-64,769,677 gives the same sequence; the c. name uses the placement nearest the transcript's 3' end. VCF-style (leftmost placement, unchanged base first): chr14-64769672-ATC-A. GRCh37 (hg19) VCF-style: chr14-65236390-ATC-A.
Other names: c.5853_5854del, p.Glu1951fs (NM_001024858.4, NM_001355437.2); short protein forms E1951fs.
Identifiers: ClinVar variation 2636971 (VCV002636971.2), dbSNP rs2503042184, ClinGen allele CA2695199825.
Genomic context (GRCh38, chr14:64,769,672, plus strand): 5'-CGCTGCAGCAGGGACTCGCCAAGCTCCAGGCAGGCACTGAAGTTCTTGCTCCGGGTTTCA[ATC>A]TCTGCATTGATGCCCTGGTGATACTTCATGAGCAGTTCCACAGAGGAGACATCCCTGGGG-3'